The following is an entry in ClinVar:

NM_020458.4(TTC7A):c.2470C>T (p.Gln824Ter)

Gene: TTC7A (tetratricopeptide repeat domain 7A; plus strand). Cytogenetic location: 2p21.
Variant type: single nucleotide variant.
Coding change: c.2470C>T on transcript NM_020458.4 (MANE Select); coding-DNA position 2470, C replaced by T.
Protein change: p.Gln824Ter; replaces glutamine 824 with a stop codon.
Molecular consequence: nonsense.
Genome position (GRCh38, 1-based): chr2:47,073,816, C>T. VCF-style: chr2-47073816-C-T. GRCh37 (hg19) VCF-style: chr2-47300955-C-T.
Other names: c.2470C>T, p.Gln824Ter (LRG_1323t1); c.2542C>T, p.Gln848Ter (NM_001288951.2); c.2368C>T, p.Gln790Ter (NM_001288953.2); c.1408C>T, p.Gln470Ter (NM_001288955.2); short protein forms Q790*, Q824*, Q470*, Q848*.
Identifiers: ClinVar variation 369683 (VCV000369683.3), dbSNP rs1057516047, ClinGen allele CA10654754.

ClinVar aggregate classification (germline): Pathogenic (1 of 4 stars; one submission).

Conditions:
Multiple gastrointestinal atresias. Also called: Multiple intestinal atresia; FAMILIAL INTESTINAL POLYATRESIA SYNDROME. Identifiers: Orphanet 2300, MedGen C0220744, MONDO:0009465.

Submission:

Victorian Clinical Genetics Services, Murdoch Childrens Research Institute
Classification: Pathogenic for Gastrointestinal defects and immunodeficiency syndrome 1. Last evaluated: 2015-09-17. Review status: criteria provided, single submitter. Criteria: ACMG Guidelines, 2015. Collection method: clinical testing. Allele origin: inherited. Inheritance: Autosomal recessive inheritance. Affected: yes. Observed: 3 variant alleles. Clinical features observed: Intestinal atresia (HP:0011100), Ventricular septal defect (HP:0001629), Pulmonary valve atresia (HP:0010882).
Comment: This substitution is predicted to result in a premature stop codon at amino acid position 824, NP_065191.2: p.(Gln824*). In-silico software (MutationTaster) predicts this variant to be disease-causing. This is a novel variant, not previously reported in disease or population databases.

Literature cited by the submitters: PubMed 26938784.